The following is an entry in ClinVar:

ClinVar aggregate classification (germline): Pathogenic (1 of 4 stars; one submission).

Submission:

GeneDx
Classification: Pathogenic. Last evaluated: 2018-12-19. Review status: criteria provided, single submitter. Criteria: GeneDx Variant Classification (06012015). Collection method: clinical testing. Allele origin: germline. Affected: yes.
Comment: The c.1503_1504insTGCT pathogenic variant in the DDX3X gene causes a frameshift starting with codon Alanine 502, changes this amino acid to a Cysteine residue and creates a premature Stop codon at position 17 of the new reading frame, denoted p.Ala502CysfsX17. This pathogenic variant is predicted to cause loss of normal protein function either through protein truncation or nonsense-mediated mRNA decay. The c.1503_1504insTGCT variant is not observed in large population cohorts (Lek et al., 2016).

NM_001356.5(DDX3X):c.1503_1504insTGCT (p.Ala502fs)

Gene: DDX3X (DEAD-box helicase 3 X-linked; plus strand). Cytogenetic location: Xp11.4.
Variant type: Insertion.
Coding change: c.1503_1504insTGCT on transcript NM_001356.5 (MANE Select); coding-DNA positions 1503 to 1504, TGCT inserted.
Protein change: p.Ala502fs; shifts the reading frame from alanine 502.
Molecular consequence: frameshift variant. On other transcripts: non-coding transcript variant (1).
Genome position: GRCh38 VCF-style: chrX-41346510-A-ATGCT. GRCh37 (hg19) VCF-style: chrX-41205763-A-ATGCT.
Other names: c.1503_1504insTGCT, p.Ala502fs (NM_001193416.3); c.1455_1456insTGCT, p.Ala486fs (NM_001193417.3); c.945_946insTGCT, p.Ala316fs (NM_001363819.1); short protein forms A316fs, A486fs, A502fs.
Identifiers: ClinVar variation 817366 (VCV000817366.1), dbSNP rs1602136301, ClinGen allele CA915950998.